The following is an entry in ClinVar:

NM_000458.4(HNF1B):c.508dup (p.Thr170fs)

Gene: HNF1B (HNF1 homeobox B; minus strand). Cytogenetic location: 17q12.
Variant type: Duplication.
Coding change: c.508dup on transcript NM_000458.4 (MANE Select); coding-DNA position 508, one base duplicated (A; older notation c.508dupA).
Protein change: p.Thr170fs; shifts the reading frame from threonine 170.
Molecular consequence: frameshift variant.
Genome position (GRCh38, 1-based): chr17:37,739,476, T duplicated on the plus strand (A on the coding strand, the reverse complement: HNF1B is on the minus strand). VCF-style (leftmost placement, unchanged base first): chr17-37739475-G-GT. GRCh37 (hg19) VCF-style: chr17-36099466-G-GT.
Other names: c.508dup, p.Thr170fs (NM_001165923.4, NM_001304286.2, NM_001411100.1); short protein forms T170fs.
Identifiers: ClinVar variation 5010243 (VCV005010243.1).

ClinVar aggregate classification (germline): Likely pathogenic (1 of 4 stars; one submission).

Submission:

Genetic Services Laboratory, University of Chicago
Classification: Likely pathogenic. Last evaluated: 2025-08-14. Review status: criteria provided, single submitter. Criteria: ACMG Guidelines, 2015. Collection method: clinical testing. Allele origin: germline.
Comment: The c.508dup variant: Is a single base pair duplication. Results in an amino acid frameshift and creates a premature stop codon, p.Thr170Asnfs*52. Is predicted to result in an abnormal transcript, which may be degraded, or may lead to the production of a truncated HNF1B protein with potentially abnormal function. Has not been previously described in individuals with HNF1B-related disorders. However, other truncating variants in this gene have been described in individuals with HNF1B-related disorders (PMIDs: 9398836, 12148114, 15068978, 20378641, 28420700). Has not been described in population databases such as gnomAD v4. Collectively this evidence indicates that this variant is likely pathogenic; however functional studies have not been performed to prove this conclusively.